The following is an entry in ClinVar:

NM_138576.4(BCL11B):c.964C>T (p.Arg322Cys)

Gene: BCL11B (BCL11 transcription factor B; minus strand). Cytogenetic location: 14q32.2.
Variant type: single nucleotide variant.
Coding change: c.964C>T on transcript NM_138576.4 (MANE Select); coding-DNA position 964, C replaced by T.
Protein change: p.Arg322Cys; replaces arginine 322 with cysteine.
Molecular consequence: missense variant.
Genome position (GRCh38, 1-based): chr14:99,175,872, G>A on the plus strand (C>T on the coding strand, the complement: BCL11B is on the minus strand). VCF-style: chr14-99175872-G-A. GRCh37 (hg19) VCF-style: chr14-99642209-G-A.
Other names: c.961C>T, p.Arg321Cys (NM_001282237.2); c.748C>T, p.Arg250Cys (NM_001282238.2); c.751C>T, p.Arg251Cys (NM_022898.3); short protein forms R250C, R321C, R251C, R322C.
Identifiers: ClinVar variation 3645523 (VCV003645523.2).
Genomic context (GRCh38, chr14:99,175,872, plus strand): 5'-GGTGCTGGGCGACGAGCCCCATCTCCTCGGCACTGAGGCGGTGCGGGTCCAGGTGGTGGC[G>A]CGGCGGGGGACTGAAGAGAGGCGGCGTGCCCGGCAGGCGGCCCTCGCCGAAGCCCGGGTG-3'
Protein context (NP_612808.1, residues 312-332): GTPPLFSPPP[Arg322Cys]HHLDPHRLSA

ClinVar aggregate classification (germline): Uncertain significance (1 of 4 stars; one submission).

gnomAD v4.1: 1 of 1,470,540 alleles (0.000068%); highest among the groups gnomAD compares: Non-Finnish European, 0.00009%; no homozygotes.

Submission:

Labcorp Genetics (formerly Invitae), Labcorp
Classification: Uncertain significance. Last evaluated: 2024-03-12. Review status: criteria provided, single submitter. Criteria: Invitae Variant Classification Sherloc (09022015). Collection method: clinical testing. Allele origin: germline.
Comment: This sequence change replaces arginine, which is basic and polar, with cysteine, which is neutral and slightly polar, at codon 322 of the BCL11B protein (p.Arg322Cys). This variant is not present in population databases (gnomAD no frequency). This variant has not been reported in the literature in individuals affected with BCL11B-related conditions. Advanced modeling of protein sequence and biophysical properties (such as structural, functional, and spatial information, amino acid conservation, physicochemical variation, residue mobility, and thermodynamic stability) performed at Invitae indicates that this missense variant is not expected to disrupt BCL11B protein function with a negative predictive value of 80%. In summary, the available evidence is currently insufficient to determine the role of this variant in disease. Therefore, it has been classified as a Variant of Uncertain Significance.